The following is an entry in ClinVar:

ClinVar aggregate classification (germline): Pathogenic/Likely pathogenic. Review status: criteria provided, multiple submitters, no conflicts (2 of 4 stars). 5 submissions from 5 submitters: Pathogenic (2); Likely pathogenic (1). 2 of the submissions do not count toward it. Last evaluated 2024-10-14.

Conditions:
ATL1-related disorder. Also called: ATL1-related condition.
Hereditary spastic paraplegia. Also called: Familial spastic paraparesis. Identifiers: Orphanet 685, MedGen C0037773, MONDO:0019064. Disease mechanism: loss of function.
Hereditary spastic paraplegia 3A (SPG3A). Also called: Spastic paraplegia 3A, autosomal dominant; SPASTIC PARAPLEGIA 3, AUTOSOMAL DOMINANT; FAMILIAL SPASTIC PARAPLEGIA, AUTOSOMAL DOMINANT, 1; SPG3; STRUMPELL DISEASE; Spastic Paraplegia 3A. Identifiers: Orphanet 100984, MedGen C2931355, MONDO:0008437, OMIM 182600.

Submissions (5):

Blueprint Genetics
Classification: Pathogenic for ATL1-related disorders. Last evaluated: 2024-10-14. Review status: criteria provided, single submitter. Criteria: ACMG Guidelines, 2015. Collection method: clinical testing. Allele origin: germline. Affected: yes. Observed: 1 variant allele.

Labcorp Genetics (formerly Invitae), Labcorp
Classification: Pathogenic for Hereditary spastic paraplegia 3A. Last evaluated: 2020-06-12. Review status: criteria provided, single submitter. Criteria: Invitae Variant Classification Sherloc (09022015). Collection method: clinical testing. Allele origin: germline.
Comment: This variant, c.1306_1308del, results in the deletion of 1 amino acid(s) of the ATL1 protein (p.Asn436del), but otherwise preserves the integrity of the reading frame. This variant is not present in population databases (ExAC no frequency). This variant has been observed in individual(s) with autosomal dominant hereditary spastic paraplegia (PMID: 17427918, 19423133). It has also been observed to segregate with disease in related individuals. ClinVar contains an entry for this variant (Variation ID: 4354). This variant has been reported to affect ATL1 protein function (PMID: 25761634). For these reasons, this variant has been classified as Pathogenic.

Genome Diagnostics Laboratory, The Hospital for Sick Children
Classification: Likely pathogenic for Hereditary spastic paraplegia. Last evaluated: 2019-04-25. Review status: criteria provided, single submitter. Criteria: ACMG Guidelines, 2015. Collection method: clinical testing. Allele origin: germline. Affected: yes.

Inherited Neuropathy Consortium Ii, University Of Miami
Classification: Uncertain significance for Hereditary spastic paraplegia 3A. Last evaluated: 2016-01-06. Review status: no assertion criteria provided. Collection method: literature only. Allele origin: germline. Affected: yes. Not counted in ClinVar's aggregate classification.

OMIM
Classification: Pathogenic for SPASTIC PARAPLEGIA 3, AUTOSOMAL DOMINANT. Last evaluated: 2007-06-01. Review status: no assertion criteria provided. Collection method: literature only. Allele origin: germline. Not counted in ClinVar's aggregate classification.

Literature cited by the submitters: PubMed 17427918 (cited by Labcorp Genetics (formerly Invitae), Labcorp and OMIM); PubMed 19423133 (cited by Labcorp Genetics (formerly Invitae), Labcorp); PubMed 25761634 (cited by Labcorp Genetics (formerly Invitae), Labcorp); PubMed 21494555 (cited by Inherited Neuropathy Consortium Ii, University Of Miami).

NM_015915.5(ATL1):c.1306_1308del (p.Asn436del)

Gene: ATL1 (atlastin GTPase 1; plus strand). Cytogenetic location: 14q22.1.
Variant type: Deletion.
Coding change: c.1306_1308del on transcript NM_015915.5 (MANE Select); coding-DNA positions 1306 to 1308, 3 bases deleted (AAT; older notation c.1306_1308delAAT).
Protein change: p.Asn436del; deletes asparagine 436.
Molecular consequence: inframe deletion.
Genome position (GRCh38, 1-based): chr14:50,628,217-50,628,219, AAT deleted. VCF-style (leftmost placement, unchanged base first): chr14-50628216-CAAT-C. GRCh37 (hg19) VCF-style: chr14-51094934-CAAT-C.
Other names: c.1306_1308delAAT (NM_015915.4); c.1306_1308del, p.Asn436del (NM_001127713.1, NM_181598.4); short protein forms N436del.
Identifiers: ClinVar variation 4354 (VCV000004354.15), dbSNP rs1595625206, ClinGen allele CA913184994.